The following is an entry in ClinVar:

NM_152703.5(SAMD9L):c.1291C>T (p.His431Tyr)

Gene: SAMD9L (sterile alpha motif domain containing 9 like; minus strand). Cytogenetic location: 7q21.2.
Variant type: single nucleotide variant.
Coding change: c.1291C>T on transcript NM_152703.5 (MANE Select); coding-DNA position 1291, C replaced by T.
Protein change: p.His431Tyr; replaces histidine 431 with tyrosine.
Molecular consequence: missense variant.
Genome position (GRCh38, 1-based): chr7:93,134,681, G>A on the plus strand (C>T on the coding strand, the complement: SAMD9L is on the minus strand). VCF-style: chr7-93134681-G-A. GRCh37 (hg19) VCF-style: chr7-92763994-G-A.
Other names: c.1291C>T (NM_152703.3, NM_152703.2); c.1291C>T, p.His431Tyr (NM_001303496.3, NM_001303497.3, NM_001303498.3 and 5 more transcripts); short protein forms H431Y.
Identifiers: ClinVar variation 1950419 (VCV001950419.8), dbSNP rs775623347, ClinGen allele CA4343746.

ClinVar aggregate classification (germline): Uncertain significance. Review status: criteria provided, multiple submitters, no conflicts (2 of 4 stars). 3 submissions from 3 submitters: Uncertain significance (3). Last evaluated 2025-08-04.

Conditions:
Inborn genetic diseases. Identifiers: MedGen C0950123, MeSH D030342.

Submissions (3):

Ambry Genetics
Classification: Uncertain significance for Inborn genetic diseases. Last evaluated: 2025-08-04. Review status: criteria provided, single submitter. Criteria: Ambry Variant Classification Scheme 2023. Collection method: clinical testing. Allele origin: germline.

Labcorp Genetics (formerly Invitae), Labcorp
Classification: Uncertain significance. Last evaluated: 2023-10-03. Review status: criteria provided, single submitter. Criteria: Invitae Variant Classification Sherloc (09022015). Collection method: clinical testing. Allele origin: germline.
Comment: This sequence change replaces histidine, which is basic and polar, with tyrosine, which is neutral and polar, at codon 431 of the SAMD9L protein (p.His431Tyr). This variant is present in population databases (rs775623347, gnomAD 0.003%). This variant has not been reported in the literature in individuals affected with SAMD9L-related conditions. ClinVar contains an entry for this variant (Variation ID: 1950419). Advanced modeling of protein sequence and biophysical properties (such as structural, functional, and spatial information, amino acid conservation, physicochemical variation, residue mobility, and thermodynamic stability) performed at Invitae indicates that this missense variant is not expected to disrupt SAMD9L protein function. In summary, the available evidence is currently insufficient to determine the role of this variant in disease. Therefore, it has been classified as a Variant of Uncertain Significance.

GeneDx
Classification: Uncertain significance. Last evaluated: 2023-04-03. Review status: criteria provided, single submitter. Criteria: GeneDx Variant Classification Process June 2021. Collection method: clinical testing. Allele origin: germline. Affected: yes.
Comment: Not observed at significant frequency in large population cohorts (gnomAD); In silico analysis supports that this missense variant has a deleterious effect on protein structure/function; Has not been previously published as pathogenic or benign to our knowledge